The following is an entry in ClinVar:

ClinVar aggregate classification (germline): Uncertain significance (1 of 4 stars; one submission).

Submission:

Labcorp Genetics (formerly Invitae), Labcorp
Classification: Uncertain significance. Last evaluated: 2024-12-15. Review status: criteria provided, single submitter. Criteria: Invitae Variant Classification Sherloc (09022015). Collection method: clinical testing. Allele origin: germline.
Comment: This sequence change replaces arginine, which is basic and polar, with glycine, which is neutral and non-polar, at codon 543 of the MSH3 protein (p.Arg543Gly). This variant is not present in population databases (gnomAD no frequency). This variant has not been reported in the literature in individuals affected with MSH3-related conditions. ClinVar contains an entry for this variant (Variation ID: 1497127). An algorithm developed to predict the effect of missense changes on protein structure and function (PolyPhen-2) suggests that this variant is likely to be tolerated. In summary, the available evidence is currently insufficient to determine the role of this variant in disease. Therefore, it has been classified as a Variant of Uncertain Significance.

NM_002439.5(MSH3):c.1627A>G (p.Arg543Gly)

Gene: MSH3 (mutS homolog 3; plus strand). Cytogenetic location: 5q14.1.
Variant type: single nucleotide variant.
Coding change: c.1627A>G on transcript NM_002439.5 (MANE Select); coding-DNA position 1627, A replaced by G.
Protein change: p.Arg543Gly; replaces arginine 543 with glycine.
Molecular consequence: missense variant.
Genome position (GRCh38, 1-based): chr5:80,741,522, A>G. VCF-style: chr5-80741522-A-G. GRCh37 (hg19) VCF-style: chr5-80037341-A-G.
Other names: short protein forms R543G.
Identifiers: ClinVar variation 1497127 (VCV001497127.6), dbSNP rs965008761, ClinGen allele CA360274543.